The following is an entry in ClinVar:

NM_198129.4(LAMA3):c.2764G>A (p.Val922Met)

Gene: LAMA3 (laminin subunit alpha 3; plus strand). Cytogenetic location: 18q11.2.
Variant type: single nucleotide variant.
Coding change: c.2764G>A on transcript NM_198129.4 (MANE Select); coding-DNA position 2764, G replaced by A.
Protein change: p.Val922Met; replaces valine 922 with methionine.
Molecular consequence: missense variant.
Genome position (GRCh38, 1-based): chr18:23,827,408, G>A. VCF-style: chr18-23827408-G-A. GRCh37 (hg19) VCF-style: chr18-21407372-G-A.
Other names: c.2764G>A (NM_198129.2); c.2764G>A, p.Val922Met (NM_001127717.4); short protein forms V922M.
Identifiers: ClinVar variation 4938355 (VCV004938355.2).

ClinVar aggregate classification (germline): Likely benign. Review status: criteria provided, multiple submitters, no conflicts (2 of 4 stars). 2 submissions from 2 submitters: Likely benign (2). Last evaluated 2026-05-12.

Conditions:
LAMA3-related disorder. Also called: LAMA3-related disorders; LAMA3-related condition.

gnomAD v4.1: 639 of 1,614,186 alleles (0.04%); highest among the groups gnomAD compares: Middle Eastern, 0.78%; 2 homozygotes.

Submissions (2):

PreventionGenetics, part of Exact Sciences
Classification: Likely benign for LAMA3-related condition. Last evaluated: 2026-05-12. Review status: criteria provided, single submitter. Criteria: ACMG Guidelines, 2015. Collection method: clinical testing. Allele origin: germline.
Comment: This variant is classified as likely benign based on ACMG/AMP sequence variant interpretation guidelines (Richards et al. 2015 PMID: 25741868, with internal and published modifications).

Blueprint Genetics
Classification: Likely benign. Last evaluated: 2024-11-18. Review status: criteria provided, single submitter. Criteria: ACMG Guidelines, 2015. Collection method: clinical testing. Allele origin: germline.